The following is an entry in ClinVar:

ClinVar aggregate classification (germline): Conflicting classifications of pathogenicity. Review status: criteria provided, conflicting classifications (1 of 4 stars). 2 submissions from 2 submitters: Uncertain significance (1); Likely benign (1). Last evaluated 2026-06-10.

Conditions:
PKD1-related disorder. Also called: PKD1-related condition.

Allele frequency attached by ClinVar (database versions not stated): gnomAD exomes 0.00002; gnomAD 0.00001; TOPMed 0.00001; ExAC 0.00002.
gnomAD v4.1: 30 of 1,611,114 alleles (0.0019%); highest among the groups gnomAD compares: South Asian, 0.019%; no homozygotes.

Submissions (2):

PreventionGenetics, part of Exact Sciences
Classification: Likely benign for PKD1-related condition. Last evaluated: 2026-06-10. Review status: criteria provided, single submitter. Criteria: ACMG Guidelines, 2015. Collection method: clinical testing. Allele origin: germline.
Comment: This variant is classified as likely benign based on ACMG/AMP sequence variant interpretation guidelines (Richards et al. 2015 PMID: 25741868, with internal and published modifications).

GeneDx
Classification: Uncertain significance. Last evaluated: 2020-07-22. Review status: criteria provided, single submitter. Criteria: GeneDx Variant Classification Process June 2021. Collection method: clinical testing. Allele origin: germline. Affected: yes.
Comment: In silico analysis supports that this variant does not alter splicing; Has not been previously published as pathogenic or benign to our knowledge

NM_001009944.3(PKD1):c.4983C>T (p.Asn1661=)

Gene: PKD1 (polycystin 1, transient receptor potential channel interacting; minus strand). Cytogenetic location: 16p13.3.
Variant type: single nucleotide variant.
Coding change: c.4983C>T on transcript NM_001009944.3 (MANE Select); coding-DNA position 4983, C replaced by T.
Protein change: p.Asn1661=; no amino-acid change (asparagine 1661 retained).
Molecular consequence: synonymous variant.
Genome position (GRCh38, 1-based): chr16:2,110,184, G>A on the plus strand (C>T on the coding strand, the complement: PKD1 is on the minus strand). VCF-style: chr16-2110184-G-A. GRCh37 (hg19) VCF-style: chr16-2160185-G-A.
Other names: c.4983C>T, p.Asn1661= (NM_000296.4).
Identifiers: ClinVar variation 1313104 (VCV001313104.3), dbSNP rs754178241, ClinGen allele CA7832169.